The following is an entry in ClinVar:

ClinVar aggregate classification (germline): Pathogenic (1 of 4 stars; one submission).

Submission:

Labcorp Genetics (formerly Invitae), Labcorp
Classification: Pathogenic. Last evaluated: 2022-04-01. Review status: criteria provided, single submitter. Criteria: Invitae Variant Classification Sherloc (09022015). Collection method: clinical testing. Allele origin: germline.
Comment: This variant disrupts the C-terminus of the RP1 protein. Many variants that disrupt this region have been reported in individuals with either autosomal dominant or autosomal recessive retinitis pigmentosa (PMID: 11527933, 19933189, 29425069, 30027431, 33681214). Therefore, variants that disrupt this region are expected to be disease-causing. This premature translational stop signal has been observed in individual(s) with retinitis pigmentosa (PMID: 32565670). This variant is not present in population databases (gnomAD no frequency). This sequence change creates a premature translational stop signal (p.Gln400Argfs*18) in the RP1 gene. While this is not anticipated to result in nonsense mediated decay, it is expected to disrupt the last 1757 amino acid(s) of the RP1 protein. For these reasons, this variant has been classified as Pathogenic.

Literature cited by the submitters: PubMed 11527933; PubMed 19933189; PubMed 29425069; PubMed 30027431; PubMed 33681214; PubMed 32565670.

NM_006269.2(RP1):c.1199_1200del (p.Gln400fs)

Gene: RP1 (RP1 axonemal microtubule associated; plus strand). Cytogenetic location: 8q12.1.
Variant type: Deletion.
Coding change: c.1199_1200del on transcript NM_006269.2 (MANE Select); coding-DNA positions 1199 to 1200, 2 bases deleted (AA; older notation c.1199_1200delAA).
Protein change: p.Gln400fs; shifts the reading frame from glutamine 400.
Molecular consequence: frameshift variant. On other transcripts: intron variant (1).
Genome position (GRCh38, 1-based): chr8:54,625,081-54,625,082, AA deleted. VCF-style (leftmost placement, unchanged base first): chr8-54625080-CAA-C. GRCh37 (hg19) VCF-style: chr8-55537640-CAA-C.
Other names: c.787+2793_787+2794del (NM_001375654.1); short protein forms Q400fs.
Identifiers: ClinVar variation 1929409 (VCV001929409.5), dbSNP rs2536568594, ClinGen allele CA2580078483.